The following continues an entry in ClinVar:

NM_000257.4(MYH7):c.1207C>T (p.Arg403Trp)

Gene: MYH7. ClinVar aggregate classification (germline): Pathogenic. Pathogenic (1).

Submissions 17 to 26 of 26:

Women's Health and Genetics/Laboratory Corporation of America, LabCorp
Classification: Pathogenic for Cardiomyopathy. Last evaluated: 2019-12-24. Review status: criteria provided, single submitter. Criteria: LabCorp Variant Classification Summary - May 2015. Collection method: clinical testing. Allele origin: germline. Not counted in ClinVar's aggregate classification.
Comment: Variant summary: MYH7 c.1207C>T (p.Arg403Trp) results in a non-conservative amino acid change located in the Myosin head, motor domain (IPR001609) of the encoded protein sequence. Five of five in-silico tools predict a damaging effect of the variant on protein function. The variant was absent in 251474 control chromosomes (gnomAD). c.1207C>T has been reported in the literature in multiple individuals affected with Cardiomyopathy (e.g. Dausse_1993, Yamashita_2000, Revera_2008, Burns_2017, Walsh_2017). These data indicate that the variant is very likely to be associated with disease. Several publications report experimental evidence evaluating an impact on protein function. The variant has been shown to result in increased actin-sliding velocity and actin-related ATPase activity compared to controls, which may result in reduced myocardial efficiency in patients with the variant (Yamashita_2000, Keller_2004). Patients with the variant were also shown to have reduced systolic and diastolic function as assessed by clinical parameters when compared to non-carrier relatives (Revera_2008). Six clinical diagnostic laboratories have submitted clinical-significance assessments for this variant to ClinVar after 2014 without evidence for independent evaluation. All laboratories cited the variant as pathogenic. Based on the evidence outlined above, the variant was classified as pathogenic.

Human Genome Sequencing Center Clinical Lab, Baylor College of Medicine
Classification: Pathogenic for Hypertrophic cardiomyopathy 1. Last evaluated: 2018-02-05. Review status: criteria provided, single submitter. Criteria: ACMG Guidelines, 2015. Collection method: clinical testing. Allele origin: germline. Not counted in ClinVar's aggregate classification.
Comment: This c.1207C>T (p. Arg403Trp) variant in the MYH7 gene has been reported in several unrelated patients with hypertrophic cardiomyopathy (HCM) and was shown to segregate with disease in the reported families (PMID8254035,7662452,.15010274, 17207239, and 18029407). In addition, two different missense variant substitutions affecting the same amino acid position, pArg403Gln and p.Arg403Leu, have been reported in additional patients with HCM (PMID12975413, 1638703, 1975517, 23751935,8254035, 17207239). This variant is highly conserved in mammals. While not validated for clinical use, computer-based algorithms SIFT and Polyphen-2 predict this p. Arg403Trp change to be deleterious. This c.1207C>T (p. Arg403Trp ) variant in the MYH7 gene is thus classified as pathogenic.

Agnes Ginges Centre for Molecular Cardiology, Centenary Institute
Classification: Pathogenic for Familial hypertrophic cardiomyopathy 1. Last evaluated: 2014-12-22. Review status: criteria provided, single submitter. Criteria: Agnes Ginges Centre for Molecular Cardiology criteria (2015). Collection method: research. Allele origin: germline. Inheritance: Autosomal dominant inheritance. Affected: yes. Not counted in ClinVar's aggregate classification.
Comment: This MYH7 Arg403Trp variant is well described in multiple unrelated HCM families (see references). There is strong evidence that the variant co-segregates with disease in several families. Specifically, Posen et al. (1995) presented a large HCM family where the MYH7 Arg403Trp variant was present in 14 clinically affected members. The clinical phenotype observed is variable and disease characteristics range from no hypertrophy to mild left ventricular hypertrophy and/or ECG abnormalities. In addition to being absent in study control cohorts, this variant is also absent in general population databases including 1000 genomes project, and the Exome Aggregation Consortium dataset. Furthermore, arginine (Arg) at position 403 is highly conserved across distantly related species, and is a known mutational hotspot region (Dausse E, et al., 1993). Based on the supporting literature and strong evidence of segregation with disease, absence in control cohorts, we classify this MYH7 Arg403Trp variant as "pathogenic".

Stanford Center for Inherited Cardiovascular Disease, Stanford University
Classification: Pathogenic. Last evaluated: 2014-10-08. Review status: criteria provided, single submitter. Criteria: ACMG Guidelines, 2015. Collection method: provider interpretation. Allele origin: germline. Not counted in ClinVar's aggregate classification.

Clinical Genetics Laboratory, University Hospital Schleswig-Holstein
Classification: Pathogenic for Hypertrophic cardiomyopathy 1. Last evaluated: 2025-04-29. Review status: no assertion criteria provided. Collection method: clinical testing. Allele origin: germline. Affected: yes. Not counted in ClinVar's aggregate classification.

OMIM
Classification: Pathogenic for CARDIOMYOPATHY, FAMILIAL HYPERTROPHIC, 1. Last evaluated: 2013-10-09. Review status: no assertion criteria provided. Collection method: literature only. Allele origin: germline. Not counted in ClinVar's aggregate classification.

Clinical Genetics DNA and cytogenetics Diagnostics Lab, Erasmus MC, Erasmus Medical Center
Classification: Pathogenic. Review status: no assertion criteria provided. Collection method: clinical testing. Allele origin: germline. Affected: yes. Study: VKGL Data-share Consensus. Not counted in ClinVar's aggregate classification.

Clinical Genetics, Academic Medical Center
Classification: Pathogenic. Review status: no assertion criteria provided. Collection method: clinical testing. Allele origin: germline. Affected: yes. Study: VKGL Data-share Consensus. Not counted in ClinVar's aggregate classification.

Genome Diagnostics Laboratory, University Medical Center Utrecht
Classification: Pathogenic. Review status: no assertion criteria provided. Collection method: clinical testing. Allele origin: germline. Affected: yes. Study: VKGL Data-share Consensus. Not counted in ClinVar's aggregate classification.

Joint Genome Diagnostic Labs from Nijmegen and Maastricht, Radboudumc and MUMC+
Classification: Pathogenic. Review status: no assertion criteria provided. Collection method: clinical testing. Allele origin: germline. Affected: yes. Study: VKGL Data-share Consensus. Not counted in ClinVar's aggregate classification.

Literature cited by the submitters: PubMed 8254035 (cited by 7 submitters); PubMed 17612745 (cited by 3 submitters); PubMed 27532257 (cited by 7 submitters); PubMed 7662452 (cited by 7 submitters); PubMed 29300372 (cited by 4 submitters); PubMed 18029407 (cited by 3 submitters); PubMed 10882745 (cited by 4 submitters); PubMed 15010274 (cited by 6 submitters); PubMed 1638703 (cited by Labcorp Genetics (formerly Invitae), Labcorp); PubMed 1975517 (cited by Labcorp Genetics (formerly Invitae), Labcorp and 3billion); PubMed 12975413 (cited by Labcorp Genetics (formerly Invitae), Labcorp); PubMed 23751935 (cited by Labcorp Genetics (formerly Invitae), Labcorp); PubMed 24714796 (cited by Victorian Clinical Genetics Services, Murdoch Childrens Research Institute); PubMed 7848420 (cited by 4 submitters); PubMed 28790153 (cited by Color Diagnostics, LLC DBA Color Health and Women's Health and Genetics/Laboratory Corporation of America, LabCorp); PubMed 30924982 (cited by Color Diagnostics, LLC DBA Color Health and Laboratory for Molecular Medicine, Mass General Brigham Personalized Medicine); PubMed 33673806 (cited by Color Diagnostics, LLC DBA Color Health); PubMed 35026164 (cited by Color Diagnostics, LLC DBA Color Health); PubMed 38757491 (cited by Color Diagnostics, LLC DBA Color Health); PubMed 1052196 (cited by All of Us Research Program, National Institutes of Health and 3billion); PubMed 8268932 (cited by 4 submitters); PubMed 12707239 (cited by All of Us Research Program, National Institutes of Health and 3billion); PubMed 12974739 (cited by All of Us Research Program, National Institutes of Health and 3billion); PubMed 15856146 (cited by 4 submitters); PubMed 20428263 (cited by All of Us Research Program, National Institutes of Health and 3billion); PubMed 21239446 (cited by All of Us Research Program, National Institutes of Health and 3billion); PubMed 26383716 (cited by All of Us Research Program, National Institutes of Health and 3billion); PubMed 30297972 (cited by All of Us Research Program, National Institutes of Health and 3billion); PubMed 21310275 (cited by Ambry Genetics); PubMed 10521296 (cited by Laboratory for Molecular Medicine, Mass General Brigham Personalized Medicine and Agnes Ginges Centre for Molecular Cardiology, Centenary Institute); PubMed 8186698 (cited by Women's Health and Genetics/Laboratory Corporation of America, LabCorp).